The following is an entry in ClinVar:

ClinVar aggregate classification (germline): Conflicting classifications of pathogenicity. Review status: criteria provided, conflicting classifications (1 of 4 stars). 4 submissions from 4 submitters: Likely pathogenic (1); Uncertain significance (2). 1 of the submissions does not count toward it. Last evaluated 2023-11-12.

Conditions:
Familial thoracic aortic aneurysm and aortic dissection (TAAD). Also called: Thoracic aortic aneurysms and dissections. Identifiers: Orphanet 91387, MedGen C4707243, MONDO:0019625.
FBN2-related disorder. Also called: FBN2-related condition.
Congenital contractural arachnodactyly (CCA). Also called: BEALS SYNDROME; Beals-Hecht syndrome; Arthrogryposis, distal, type 9. Identifiers: Orphanet 115, MedGen C0220668, MONDO:0007363, OMIM 121050.

Submissions (4):

GeneDx
Classification: Uncertain significance. Last evaluated: 2023-11-12. Review status: criteria provided, single submitter. Criteria: GeneDx Variant Classification Process June 2021. Collection method: clinical testing. Allele origin: germline. Affected: yes.
Comment: Has not been previously reported as pathogenic or benign to our knowledge in association with an FBN2-related condition; Not observed at significant frequency in large population cohorts (gnomAD); In silico analysis supports that this missense variant has a deleterious effect on protein structure/function; This variant is associated with the following publications: (PMID: 28152038, 19006240, 18767143)

Labcorp Genetics (formerly Invitae), Labcorp
Classification: Uncertain significance for Congenital contractural arachnodactyly. Last evaluated: 2023-10-04. Review status: criteria provided, single submitter. Criteria: Invitae Variant Classification Sherloc (09022015). Collection method: clinical testing. Allele origin: germline.
Comment: This sequence change replaces cysteine, which is neutral and slightly polar, with arginine, which is basic and polar, at codon 175 of the FBN2 protein (p.Cys175Arg). This variant is not present in population databases (gnomAD no frequency). This variant has not been reported in the literature in individuals affected with FBN2-related conditions. ClinVar contains an entry for this variant (Variation ID: 263836). Advanced modeling of protein sequence and biophysical properties (such as structural, functional, and spatial information, amino acid conservation, physicochemical variation, residue mobility, and thermodynamic stability) performed at Invitae indicates that this missense variant is expected to disrupt FBN2 protein function. In summary, the available evidence is currently insufficient to determine the role of this variant in disease. Therefore, it has been classified as a Variant of Uncertain Significance.

Ambry Genetics
Classification: Likely pathogenic for Familial thoracic aortic aneurysm and aortic dissection. Last evaluated: 2014-05-23. Review status: criteria provided, single submitter. Criteria: Ambry Variant Classification Scheme 2023. Collection method: clinical testing. Allele origin: germline.
Comment: The p.C175R variant (also known as c.523T>C), located in coding exon 4 of the FBN2 gene in the EGF-like #3 domain, results from a T to C substitution at nucleotide position 523. The cysteine at codon 175 is replaced by arginine, an amino acid with highly dissimilar properties. This variant was not reported in population based cohorts in the following databases: Database of Single Nucleotide Polymorphisms (dbSNP), NHLBI Exome Sequencing Project (ESP), and 1000 Genomes Project. In the ESP, this variant was not observed in 6503 samples (13,006 alleles) with coverage at this position. This amino acid position is highly conserved in available vertebrate species. In addition, this alteration is predicted to be deleterious by in silico analysis. Based on the majority of available evidence to date, this variant is likely to be pathogenic.

PreventionGenetics, part of Exact Sciences
Classification: Uncertain significance for FBN2-related condition. Last evaluated: 2024-03-21. Review status: no assertion criteria provided. Collection method: clinical testing. Allele origin: germline. Not counted in ClinVar's aggregate classification.
Comment: The FBN2 c.523T>C variant is predicted to result in the amino acid substitution p.Cys175Arg. This variant was reported in a single heterozygous individual in the literature; however, precise phenotype was not specified (LaDuca et al. 2017. PubMed ID: 28152038). It has been documented as likely pathogenic and uncertain significance by two labs in the ClinVar database. This variant has not been reported in a large population database, indicating this variant is rare. At this time, the clinical significance of this variant is uncertain due to the absence of conclusive functional and genetic evidence.

NM_001999.4(FBN2):c.523T>C (p.Cys175Arg)

Gene: FBN2 (fibrillin 2; minus strand). Cytogenetic location: 5q23.3.
Variant type: single nucleotide variant.
Coding change: c.523T>C on transcript NM_001999.4 (MANE Select); coding-DNA position 523, T replaced by C.
Protein change: p.Cys175Arg; replaces cysteine 175 with arginine.
Molecular consequence: missense variant.
Genome position (GRCh38, 1-based): chr5:128,527,881, A>G on the plus strand (T>C on the coding strand, the complement: FBN2 is on the minus strand). VCF-style: chr5-128527881-A-G. GRCh37 (hg19) VCF-style: chr5-127863574-A-G.
Other names: short protein forms C175R.
Identifiers: ClinVar variation 263836 (VCV000263836.11), dbSNP rs886038942, ClinGen allele CA10587619.
Genomic context (GRCh38, chr5:128,527,881, plus strand): 5'-TATGAAATATCCACCAAATCAAATGATTTCTAATAAATCAATGTCCCTTACGTTGTCCAC[A>G]ATAAGTTCCAATATATCCTTTCTGGCACTGGCAGTGGTCATCTGCACAGGTCCCACCATT-3'
Protein context (NP_001990.2, residues 165-185): QCQKGYIGTY[Cys175Arg]GQPVCENGCQ